The following is an entry in ClinVar:

NM_021072.4(HCN1):c.894T>G (p.Ile298Met)

Gene: HCN1 (hyperpolarization activated cyclic nucleotide gated potassium channel 1; minus strand). Cytogenetic location: 5p12.
Variant type: single nucleotide variant.
Coding change: c.894T>G on transcript NM_021072.4 (MANE Select); coding-DNA position 894, T replaced by G.
Protein change: p.Ile298Met; replaces isoleucine 298 with methionine.
Molecular consequence: missense variant.
Genome position (GRCh38, 1-based): chr5:45,461,963, A>C on the plus strand (T>G on the coding strand, the complement: HCN1 is on the minus strand). VCF-style: chr5-45461963-A-C. GRCh37 (hg19) VCF-style: chr5-45462065-A-C.
Other names: short protein forms I298M.
Identifiers: ClinVar variation 2116196 (VCV002116196.4), dbSNP rs1284612874, ClinGen allele CA359705017.

ClinVar aggregate classification (germline): Uncertain significance (1 of 4 stars; one submission).

Conditions:
Early-infantile DEE. Also called: Early infantile epileptic encephalopathy; Ohtahara syndrome; Early infantile epileptic encephalopathy with suppression bursts. Identifiers: Orphanet 1934, MedGen C0393706, MONDO:0800491.

Submission:

Labcorp Genetics (formerly Invitae), Labcorp
Classification: Uncertain significance for Early-infantile DEE. Last evaluated: 2022-05-09. Review status: criteria provided, single submitter. Criteria: Invitae Variant Classification Sherloc (09022015). Collection method: clinical testing. Allele origin: germline.
Comment: In summary, the available evidence is currently insufficient to determine the role of this variant in disease. Therefore, it has been classified as a Variant of Uncertain Significance. Advanced modeling of protein sequence and biophysical properties (such as structural, functional, and spatial information, amino acid conservation, physicochemical variation, residue mobility, and thermodynamic stability) performed at Invitae indicates that this missense variant is expected to disrupt HCN1 protein function. This missense change has been observed in individual(s) with clinical features of HCN1-related conditions (Invitae). This variant is not present in population databases (gnomAD no frequency). This sequence change replaces isoleucine, which is neutral and non-polar, with methionine, which is neutral and non-polar, at codon 298 of the HCN1 protein (p.Ile298Met).